The following is an entry in ClinVar:

ClinVar aggregate classification (germline): Uncertain significance. Review status: criteria provided, multiple submitters, no conflicts (2 of 4 stars). 3 submissions from 3 submitters: Uncertain significance (3). Last evaluated 2026-09-04.

Conditions:
NTRK2-related disorder. Also called: NTRK2-related condition.
Early onset severe obesity. Identifiers: MedGen C4013980.

Allele frequency attached by ClinVar (database versions not stated): TOPMed below 0.00001; gnomAD exomes 0.00001.
gnomAD v4.1: 19 of 1,614,036 alleles (0.0012%); highest among the groups gnomAD compares: Non-Finnish European, 0.0015%; no homozygotes.

Submissions (3):

PreventionGenetics, part of Exact Sciences
Classification: Uncertain significance for NTRK2-related condition. Last evaluated: 2026-09-04. Review status: criteria provided, single submitter. Criteria: ACMG Guidelines, 2015. Collection method: clinical testing. Allele origin: germline.
Comment: The NTRK2 c.772G>A variant is predicted to result in the amino acid substitution p.Asp258Asn. To our knowledge, this variant has not been reported in the literature or in a large population database (gnomAD), indicating this variant is rare. At this time, the clinical significance of this variant is uncertain due to the absence of conclusive functional and genetic evidence.

Labcorp Genetics (formerly Invitae), Labcorp
Classification: Uncertain significance. Last evaluated: 2025-06-20. Review status: criteria provided, single submitter. Criteria: Invitae Variant Classification Sherloc (09022015). Collection method: clinical testing. Allele origin: germline.
Comment: This sequence change replaces aspartic acid, which is acidic and polar, with asparagine, which is neutral and polar, at codon 258 of the NTRK2 protein (p.Asp258Asn). This variant is not present in population databases (gnomAD no frequency). This variant has not been reported in the literature in individuals affected with NTRK2-related conditions. ClinVar contains an entry for this variant (Variation ID: 1940402). Invitae Evidence Modeling of protein sequence and biophysical properties (such as structural, functional, and spatial information, amino acid conservation, physicochemical variation, residue mobility, and thermodynamic stability) indicates that this missense variant is not expected to disrupt NTRK2 protein function with a negative predictive value of 80%. In summary, the available evidence is currently insufficient to determine the role of this variant in disease. Therefore, it has been classified as a Variant of Uncertain Significance.

Cambridge Genomics Laboratory, East Genomic Laboratory Hub, NHS Genomic Medicine Service
Classification: Uncertain significance for Severe early-onset obesity. Last evaluated: 2025-04-08. Review status: criteria provided, single submitter. Criteria: ACGS Best Practice Guidelines for Variant Classification in Rare Disease 2020. Collection method: clinical testing. Allele origin: germline. Affected: yes.
Comment: PM2,PP2,BP4

NM_006180.6(NTRK2):c.772G>A (p.Asp258Asn)

Gene: NTRK2 (neurotrophic receptor tyrosine kinase 2; plus strand). Cytogenetic location: 9q21.33.
Variant type: single nucleotide variant.
Coding change: c.772G>A on transcript NM_006180.6 (MANE Select); coding-DNA position 772, G replaced by A.
Protein change: p.Asp258Asn; replaces aspartic acid 258 with asparagine.
Molecular consequence: missense variant.
Genome position (GRCh38, 1-based): chr9:84,724,275, G>A. VCF-style: chr9-84724275-G-A. GRCh37 (hg19) VCF-style: chr9-87339190-G-A.
Other names: c.772G>A, p.Asp258Asn (NM_001007097.3, NM_001018064.3, NM_001018065.2 and 19 more transcripts); c.304G>A, p.Asp102Asn (NM_001369535.1, NM_001369536.1, NM_001369550.1 and 2 more transcripts); c.772G>A (NM_006180.4); short protein forms D102N, D258N.
Identifiers: ClinVar variation 1940402 (VCV001940402.9), dbSNP rs200636057, ClinGen allele CA195747750.